The following is an entry in ClinVar:

NM_000486.6(AQP2):c.153dup (p.Ile52fs)

Gene: AQP2 (aquaporin 2; plus strand). Cytogenetic location: 12q13.12.
Variant type: Duplication.
Coding change: c.153dup on transcript NM_000486.6 (MANE Select); coding-DNA position 153, one base duplicated (T; older notation c.153dupT).
Protein change: p.Ile52fs; shifts the reading frame from isoleucine 52.
Molecular consequence: frameshift variant.
Genome position (GRCh38, 1-based): chr12:49,950,983, T duplicated. VCF-style (leftmost placement, unchanged base first): chr12-49950982-G-GT. GRCh37 (hg19) VCF-style: chr12-50344765-G-GT.
Other names: short protein forms I52fs.
Identifiers: ClinVar variation 847319 (VCV000847319.8), dbSNP rs1947324508, ClinGen allele CA916082357.
Genomic context (GRCh38, chr12:49,950,982, plus strand): 5'-CCCTCAACTGGCCACAGGCCCTGCCCTCTGTGCTACAGATTGCCATGGCGTTTGGCTTGG[G>GT]TATTGGCACCCTGGTACAGGCTCTGGGCCACATAAGCGGGGCCCACATCAACCCTGCCGT-3'

ClinVar aggregate classification (germline): Pathogenic (1 of 4 stars; one submission).

Submission:

Labcorp Genetics (formerly Invitae), Labcorp
Classification: Pathogenic. Last evaluated: 2019-12-22. Review status: criteria provided, single submitter. Criteria: Invitae Variant Classification Sherloc (09022015). Collection method: clinical testing. Allele origin: germline.
Comment: For these reasons, this variant has been classified as Pathogenic. Loss-of-function variants in AQP2 are known to be pathogenic (PMID: 9024277, 27156763). This variant has not been reported in the literature in individuals with AQP2-related conditions. This variant is not present in population databases (ExAC no frequency). This sequence change creates a premature translational stop signal (p.Ile52Tyrfs*55) in the AQP2 gene. It is expected to result in an absent or disrupted protein product.

Literature cited by the submitters: PubMed 9024277; PubMed 27156763.